The following is an entry in ClinVar:

ClinVar aggregate classification (germline): Likely benign. Review status: criteria provided, single submitter (1 of 4 stars). 2 submissions from 2 submitters: Likely benign (1). 1 of the submissions does not count toward it. Last evaluated 2023-10-22.

Conditions:
RYR1-related disorder. Also called: RYR1-related condition; RYR1-related disorders. Identifiers: MedGen CN239331.

Allele frequency attached by ClinVar (database versions not stated): TOPMed below 0.00001; gnomAD 0.00002.
gnomAD v4.1: 3 of 1,612,352 alleles (0.00019%); highest among the groups gnomAD compares: African/African-American, 0.004%; no homozygotes.

Submissions (2):

Labcorp Genetics (formerly Invitae), Labcorp
Classification: Likely benign for RYR1-related disorder. Last evaluated: 2023-10-22. Review status: criteria provided, single submitter. Criteria: Invitae Variant Classification Sherloc (09022015). Collection method: clinical testing. Allele origin: germline.

PreventionGenetics, part of Exact Sciences
Classification: Likely benign for RYR1-related condition. Last evaluated: 2020-04-27. Review status: no assertion criteria provided. Collection method: clinical testing. Allele origin: germline. Not counted in ClinVar's aggregate classification.
Comment: This variant is classified as likely benign based on ACMG/AMP sequence variant interpretation guidelines (Richards et al. 2015 PMID: 25741868, with internal and published modifications).

NM_000540.3(RYR1):c.3912A>C (p.Ala1304=)

Gene: RYR1 (ryanodine receptor 1; plus strand). Cytogenetic location: 19q13.2.
Variant type: single nucleotide variant.
Coding change: c.3912A>C on transcript NM_000540.3 (MANE Select); coding-DNA position 3912, A replaced by C.
Protein change: p.Ala1304=; no amino-acid change (alanine 1304 retained).
Molecular consequence: synonymous variant.
Genome position (GRCh38, 1-based): chr19:38,473,523, A>C. VCF-style: chr19-38473523-A-C. GRCh37 (hg19) VCF-style: chr19-38964163-A-C.
Other names: c.3912A>C, p.Ala1304= (NM_001042723.2).
Identifiers: ClinVar variation 2892705 (VCV002892705.5), dbSNP rs1968543451, ClinGen allele CA507353018.